The following is an entry in ClinVar:

ClinVar aggregate classification (germline): Uncertain significance. Review status: criteria provided, multiple submitters, no conflicts (2 of 4 stars). 3 submissions from 3 submitters: Uncertain significance (3). Last evaluated 2025-04-22.

Conditions:
Familial adenomatous polyposis 1 (FAP1). Also called: POLYPOSIS, ADENOMATOUS INTESTINAL; FAMILIAL ADENOMATOUS POLYPOSIS 1, ATTENUATED. Identifiers: MedGen C2713442, MONDO:0021056, OMIM 175100. Disease mechanism: loss of function.
Hereditary cancer-predisposing syndrome. Also called: Neoplastic Syndromes, Hereditary; Tumor predisposition; Hereditary neoplastic syndrome; Hereditary Cancer Syndrome. Identifiers: Orphanet 140162, MedGen C0027672, MeSH D009386, MONDO:0015356.

Submissions (3):

Labcorp Genetics (formerly Invitae), Labcorp
Classification: Uncertain significance for Familial adenomatous polyposis 1. Last evaluated: 2025-04-22. Review status: criteria provided, single submitter. Criteria: Invitae Variant Classification Sherloc (09022015). Collection method: clinical testing. Allele origin: germline.
Comment: This sequence change replaces threonine, which is neutral and polar, with serine, which is neutral and polar, at codon 2623 of the APC protein (p.Thr2623Ser). This variant is not present in population databases (gnomAD no frequency). This variant has not been reported in the literature in individuals affected with APC-related conditions. ClinVar contains an entry for this variant (Variation ID: 827296). Invitae Evidence Modeling of protein sequence and biophysical properties (such as structural, functional, and spatial information, amino acid conservation, physicochemical variation, residue mobility, and thermodynamic stability) indicates that this missense variant is not expected to disrupt APC protein function with a negative predictive value of 95%. In summary, the available evidence is currently insufficient to determine the role of this variant in disease. Therefore, it has been classified as a Variant of Uncertain Significance.

Color Diagnostics, LLC DBA Color Health
Classification: Uncertain significance for Hereditary cancer-predisposing syndrome. Last evaluated: 2024-03-06. Review status: criteria provided, single submitter. Criteria: ACMG Guidelines, 2015. Collection method: clinical testing. Allele origin: germline.
Comment: This missense variant replaces threonine with serine at codon 2623 of the APC protein. Computational prediction suggests that this variant may not impact protein structure and function (internally defined REVEL score threshold <= 0.5, PMID: 27666373). Splice site prediction tools suggest that this variant may not impact RNA splicing. To our knowledge, functional studies have not been performed for this variant. This variant has not been reported in individuals affected with hereditary cancer in the literature. This variant has not been identified in the general population by the Genome Aggregation Database (gnomAD). The available evidence is insufficient to determine the role of this variant in disease conclusively. Therefore, this variant is classified as a Variant of Uncertain Significance.

Ambry Genetics
Classification: Uncertain significance for Hereditary cancer-predisposing syndrome. Last evaluated: 2019-01-24. Review status: criteria provided, single submitter. Criteria: Ambry Variant Classification Scheme 2023. Collection method: clinical testing. Allele origin: germline.
Comment: The p.T2623S variant (also known as c.7867A>T), located in coding exon 15 of the APC gene, results from an A to T substitution at nucleotide position 7867. The threonine at codon 2623 is replaced by serine, an amino acid with similar properties. This amino acid position is not well conserved in available vertebrate species. In addition, in silico predictors for this gene do not accurately predict pathogenicity. Since supporting evidence is limited at this time, the clinical significance of this alteration remains unclear.

NM_000038.6(APC):c.7867A>T (p.Thr2623Ser)

Gene: APC (APC regulator of Wnt signaling pathway; plus strand). Cytogenetic location: 5q22.2.
Variant type: single nucleotide variant.
Coding change: c.7867A>T on transcript NM_000038.6 (MANE Select); coding-DNA position 7867, A replaced by T.
Protein change: p.Thr2623Ser; replaces threonine 2623 with serine.
Molecular consequence: missense variant.
Genome position (GRCh38, 1-based): chr5:112,843,461, A>T. VCF-style: chr5-112843461-A-T. GRCh37 (hg19) VCF-style: chr5-112179158-A-T.
Other names: c.7867A>T, p.Thr2623Ser (NM_001127510.3, NM_001354895.2); c.7813A>T, p.Thr2605Ser (NM_001127511.3); c.7921A>T, p.Thr2641Ser (NM_001354896.2); c.7897A>T, p.Thr2633Ser (NM_001354897.2); c.7792A>T, p.Thr2598Ser (NM_001354898.2); c.7783A>T, p.Thr2595Ser (NM_001354899.2); c.7744A>T, p.Thr2582Ser (NM_001354900.2); c.7690A>T, p.Thr2564Ser (NM_001354901.2); and 5 more; short protein forms T2340S, T2564S, T2598S, T2522S, T2633S, T2463S, T2582S, T2595S.
Identifiers: ClinVar variation 827296 (VCV000827296.10), dbSNP rs1060503368, ClinGen allele CA16038427.